The following is an entry in ClinVar:

ClinVar aggregate classification (germline): Uncertain significance. Review status: criteria provided, multiple submitters, no conflicts (2 of 4 stars). 4 submissions from 4 submitters: Uncertain significance (4). Last evaluated 2026-08-06.

Conditions:
Hereditary cancer-predisposing syndrome. Also called: Tumor predisposition; Hereditary neoplastic syndrome; Neoplastic Syndromes, Hereditary; Hereditary Cancer Syndrome. Identifiers: Orphanet 140162, MedGen C0027672, MeSH D009386, MONDO:0015356.
Hereditary pheochromocytoma and paraganglioma. Also called: Hereditary Paraganglioma-Pheochromocytoma Syndromes; Hereditary pheochromocytoma-paraganglioma; Hereditary paragangliomas and pheochromocytomas. Identifiers: Orphanet 29072, MedGen C4274332, MONDO:0017366.
Pheochromocytoma. Also called: MAX-Related Hereditary Paraganglioma-Pheochromocytoma Syndrome. Identifiers: Orphanet 29072, MedGen C0031511, MONDO:0008233, OMIM 171300, HP:0002666.

Allele frequency attached by ClinVar (database versions not stated): TOPMed 0.00001; gnomAD exomes 0.00001.
gnomAD v4.1: 9 of 1,613,532 alleles (0.00056%); highest among the groups gnomAD compares: Non-Finnish European, 0.00034%; no homozygotes.

Submissions (4):

OLLIN Analises Genomicas, OLLIN
Classification: Uncertain significance for Pheochromocytoma. Last evaluated: 2026-08-06. Review status: criteria provided, single submitter. Criteria: ACMG Guidelines 2015 PMID 25741868. Collection method: clinical testing. Allele origin: germline. Inheritance: Autosomal dominant inheritance.
Comment: This missense variant, located in exon 5 (of 5), has been reported in ClinVar (accession VCV000232084.15) and in gnomAD with an allele frequency of 0.00056%. However, to our knowledge, it has not been reported in the scientific literature. In silico analysis is inconclusive regarding the impact of this variant. According to the currently available evidence, this variant has been classified as uncertain significance (PM2_P).

Labcorp Genetics (formerly Invitae), Labcorp
Classification: Uncertain significance for Hereditary pheochromocytoma and paraganglioma. Last evaluated: 2025-12-21. Review status: criteria provided, single submitter. Criteria: Invitae Variant Classification Sherloc (09022015). Collection method: clinical testing. Allele origin: germline.
Comment: This sequence change replaces arginine, which is basic and polar, with glutamine, which is neutral and polar, at codon 156 of the MAX protein (p.Arg156Gln). This variant is not present in population databases (gnomAD no frequency). This variant has not been reported in the literature in individuals affected with MAX-related conditions. ClinVar contains an entry for this variant (Variation ID: 232084). An algorithm developed to predict the effect of missense changes on protein structure and function (PolyPhen-2) suggests that this variant is likely to be disruptive. In summary, the available evidence is currently insufficient to determine the role of this variant in disease. Therefore, it has been classified as a Variant of Uncertain Significance.

Ambry Genetics
Classification: Uncertain significance for Hereditary cancer-predisposing syndrome. Last evaluated: 2024-06-23. Review status: criteria provided, single submitter. Criteria: Ambry Variant Classification Scheme 2023. Collection method: clinical testing. Allele origin: germline.
Comment: The p.R156Q variant (also known as c.467G>A), located in coding exon 5 of the MAX gene, results from a G to A substitution at nucleotide position 467. The arginine at codon 156 is replaced by glutamine, an amino acid with highly similar properties. This amino acid position is well conserved in available vertebrate species. In addition, this alteration is predicted to be tolerated by in silico analysis. Since supporting evidence is limited at this time, the clinical significance of this alteration remains unclear.

GeneDx
Classification: Uncertain significance. Last evaluated: 2022-09-15. Review status: criteria provided, single submitter. Criteria: GeneDx Variant Classification Process June 2021. Collection method: clinical testing. Allele origin: germline. Affected: yes.
Comment: Not observed at significant frequency in large population cohorts (gnomAD); In silico analysis supports that this missense variant has a deleterious effect on protein structure/function; Has not been previously published as pathogenic or benign to our knowledge; This variant is associated with the following publications: (PMID: 1730412)

NM_002382.5(MAX):c.467G>A (p.Arg156Gln)

Gene: MAX (MYC associated transcriptional regulator X; minus strand). Cytogenetic location: 14q23.3.
Variant type: single nucleotide variant.
Coding change: c.467G>A on transcript NM_002382.5 (MANE Select); coding-DNA position 467, G replaced by A.
Protein change: p.Arg156Gln; replaces arginine 156 with glutamine.
Molecular consequence: missense variant. On other transcripts: intron variant (2), 3 prime UTR variant (1).
Genome position (GRCh38, 1-based): chr14:65,076,492, C>T on the plus strand (G>A on the coding strand, the complement: MAX is on the minus strand). VCF-style: chr14-65076492-C-T. GRCh37 (hg19) VCF-style: chr14-65543210-C-T.
Other names: c.144+17216G>A (NM_001271069.2); c.171+17216G>A (NM_197957.4); c.278G>A, p.Arg93Gln (NM_001320415.2, NM_001407105.1, NM_001407106.1 and 1 more transcripts); c.467G>A, p.Arg156Gln (NM_001407094.1); c.440G>A, p.Arg147Gln (NM_001407095.1, NM_145112.3); c.*240G>A (NM_001407096.1, NM_001407099.1, NM_001407102.1 and 2 more transcripts); c.*256G>A (NM_001407097.1, NM_001407100.1, NM_001407101.1 and 4 more transcripts); c.359G>A, p.Arg120Gln (NM_001407098.1); and 1 more; short protein forms R156Q, R147Q, R93Q, R89Q, R120Q.
Identifiers: ClinVar variation 232084 (VCV000232084.16), dbSNP rs876659544, ClinGen allele CA10579864.